The following is an entry in ClinVar:

NM_000038.6(APC):c.3896C>A (p.Ala1299Asp)

Gene: APC (APC regulator of Wnt signaling pathway; plus strand). Cytogenetic location: 5q22.2.
Variant type: single nucleotide variant.
Coding change: c.3896C>A on transcript NM_000038.6 (MANE Select); coding-DNA position 3896, C replaced by A.
Protein change: p.Ala1299Asp; replaces alanine 1299 with aspartic acid.
Molecular consequence: missense variant. On other transcripts: non-coding transcript variant (2).
Genome position (GRCh38, 1-based): chr5:112,839,490, C>A. VCF-style: chr5-112839490-C-A. GRCh37 (hg19) VCF-style: chr5-112175187-C-A.
Other names: c.3896C>A, p.Ala1299Asp (NM_001127510.3, NM_001354895.2, NM_001407450.1); c.3842C>A, p.Ala1281Asp (NM_001127511.3); c.3950C>A, p.Ala1317Asp (NM_001354896.2, NM_001407447.1, NM_001407448.1 and 1 more transcripts); c.3926C>A, p.Ala1309Asp (NM_001354897.2); c.3821C>A, p.Ala1274Asp (NM_001354898.2); c.3812C>A, p.Ala1271Asp (NM_001354899.2); c.3773C>A, p.Ala1258Asp (NM_001354900.2); c.3719C>A, p.Ala1240Asp (NM_001354901.2, NM_001407453.1); and 11 more; short protein forms A1016D, A1139D, A1173D, A1208D, A1216D, A1292D, A1327D, A915D.
Identifiers: ClinVar variation 4563997 (VCV004563997.1).

ClinVar aggregate classification (germline): Uncertain significance (1 of 4 stars; one submission).

Conditions:
Hereditary cancer-predisposing syndrome. Also called: Neoplastic Syndromes, Hereditary; Tumor predisposition; Hereditary Cancer Syndrome; Hereditary neoplastic syndrome. Identifiers: Orphanet 140162, MedGen C0027672, MeSH D009386, MONDO:0015356.

Submission:

Ambry Genetics
Classification: Uncertain significance for Hereditary cancer-predisposing syndrome. Last evaluated: 2025-10-19. Review status: criteria provided, single submitter. Criteria: Ambry Variant Classification Scheme 2023. Collection method: clinical testing. Allele origin: germline.
Comment: The p.A1299D variant (also known as c.3896C>A), located in coding exon 15 of the APC gene, results from a C to A substitution at nucleotide position 3896. The alanine at codon 1299 is replaced by aspartic acid, an amino acid with dissimilar properties. This amino acid position is conserved. In addition, in silico predictors for this gene do not accurately predict pathogenicity. Based on the available evidence, the clinical significance of this variant remains unclear.